The following is an entry in ClinVar:

NM_002796.3(PSMB4):c.10T>C (p.Phe4Leu)

Gene: PSMB4 (proteasome 20S subunit beta 4; plus strand). Cytogenetic location: 1q21.3.
Variant type: single nucleotide variant.
Coding change: c.10T>C on transcript NM_002796.3 (MANE Select); coding-DNA position 10, T replaced by C.
Protein change: p.Phe4Leu; replaces phenylalanine 4 with leucine.
Molecular consequence: missense variant.
Genome position (GRCh38, 1-based): chr1:151,399,597, T>C. VCF-style: chr1-151399597-T-C. GRCh37 (hg19) VCF-style: chr1-151372073-T-C.
Other names: short protein forms F4L.
Identifiers: ClinVar variation 2273531 (VCV002273531.5), dbSNP rs2529155350, ClinGen allele CA341918866.

ClinVar aggregate classification (germline): Conflicting classifications of pathogenicity. Review status: criteria provided, conflicting classifications (1 of 4 stars). 2 submissions from 2 submitters: Uncertain significance (1); Likely benign (1). Last evaluated 2023-05-27.

Submissions (2):

Labcorp Genetics (formerly Invitae), Labcorp
Classification: Uncertain significance. Last evaluated: 2023-05-27. Review status: criteria provided, single submitter. Criteria: Invitae Variant Classification Sherloc (09022015). Collection method: clinical testing. Allele origin: germline.
Comment: ClinVar contains an entry for this variant (Variation ID: 2273531). In summary, the available evidence is currently insufficient to determine the role of this variant in disease. Therefore, it has been classified as a Variant of Uncertain Significance. Algorithms developed to predict the effect of missense changes on protein structure and function output the following: SIFT: "Not Available"; PolyPhen-2: "Benign"; Align-GVGD: "Not Available". The leucine amino acid residue is found in multiple mammalian species, which suggests that this missense change does not adversely affect protein function. This variant has not been reported in the literature in individuals affected with PSMB4-related conditions. This variant is not present in population databases (gnomAD no frequency). This sequence change replaces phenylalanine, which is neutral and non-polar, with leucine, which is neutral and non-polar, at codon 4 of the PSMB4 protein (p.Phe4Leu).

Ambry Genetics
Classification: Likely benign. Last evaluated: 2022-01-26. Review status: criteria provided, single submitter. Criteria: Ambry Variant Classification Scheme 2023. Collection method: clinical testing. Allele origin: germline.